The following is an entry in ClinVar:

NM_001367624.2(ZNF469):c.11658G>C (p.Gln3886His)

Gene: ZNF469 (zinc finger protein 469; plus strand). Cytogenetic location: 16q24.2.
Variant type: single nucleotide variant.
Coding change: c.11658G>C on transcript NM_001367624.2 (MANE Select); coding-DNA position 11658, G replaced by C.
Protein change: p.Gln3886His; replaces glutamine 3886 with histidine.
Molecular consequence: missense variant.
Genome position (GRCh38, 1-based): chr16:88,439,128, G>C. VCF-style: chr16-88439128-G-C. GRCh37 (hg19) VCF-style: chr16-88505536-G-C.
Other names: NM_001127464.1:c.11574G>C; NM_001127464.2:c.11574G>C; p.Gln3886His; short protein forms Q3886H.
Identifiers: ClinVar variation 321030 (VCV000321030.61), dbSNP rs182269913, ClinGen allele CA8225634.

ClinVar aggregate classification (germline): Benign/Likely benign. Review status: criteria provided, multiple submitters, no conflicts (2 of 4 stars). 8 submissions from 8 submitters: Benign (4); Likely benign (4). Last evaluated 2026-04-01.

Conditions:
Cardiovascular phenotype. Identifiers: MedGen CN230736.
Ehlers-Danlos syndrome (EDS). Identifiers: Orphanet 98249, MedGen C0013720, MONDO:0020066.

Allele frequency attached by ClinVar (database versions not stated): gnomAD exomes 0.00135 and 0.00234; 1000 Genomes Project 30x 0.00219; ExAC 0.00224; gnomAD 0.00354 and 0.00333; TOPMed 0.00404; ESP Exome Variant Server 0.00548; 1000 Genomes Project 0.00280.
gnomAD v4.1: 2,484 of 1,550,886 alleles (0.16%); highest among the groups gnomAD compares: African/African-American, 0.9%; 3 homozygotes.

Submissions (8):

Women's Health and Genetics/Laboratory Corporation of America, LabCorp
Classification: Likely benign. Last evaluated: 2026-04-01. Review status: criteria provided, single submitter. Criteria: LabCorp Variant Classification Summary - May 2015. Collection method: clinical testing. Allele origin: germline.
Comment: Variant summary: ZNF469 c.11658G>C (p.Gln3886His) results in a non-conservative amino acid change in the encoded protein sequence. Algorithms developed to predict the effect of missense changes on protein structure and function are either unavailable or do not agree on the potential impact of this missense change. The variant allele was found at a frequency of 0.0023 in 153992 control chromosomes, predominantly at a frequency of 0.01 within the African or African-American subpopulation in the gnomAD database, including 1 homozygotes. The observed variant frequency within African or African-American control individuals in the gnomAD database exceeds the estimated maximal expected allele frequency for disease-causing variants in ZNF469. To our knowledge, no occurrence of c.11658G>C in individuals affected with ZNF469-related conditions and no experimental evidence demonstrating its impact on protein function have been reported. ClinVar contains an entry for this variant (Variation ID: 321030). Based on the evidence outlined above, the variant was classified as likely benign.

Labcorp Genetics (formerly Invitae), Labcorp
Classification: Benign. Last evaluated: 2026-02-04. Review status: criteria provided, single submitter. Criteria: Invitae Variant Classification Sherloc (09022015). Collection method: clinical testing. Allele origin: germline.

CeGaT Center for Human Genetics Tuebingen
Classification: Likely benign. Last evaluated: 2025-10-01. Review status: criteria provided, single submitter. Criteria: CeGaT Center For Human Genetics Tuebingen Variant Classification Criteria Version 2. Collection method: clinical testing. Allele origin: germline. Affected: yes. Observed: 10 variant alleles.
Comment: ZNF469: BP4, BS2

Blueprint Genetics
Classification: Likely benign. Last evaluated: 2024-11-12. Review status: criteria provided, single submitter. Criteria: ACMG Guidelines, 2015. Collection method: clinical testing. Allele origin: germline.

Mayo Clinic Laboratories, Mayo Clinic
Classification: Benign. Last evaluated: 2023-02-09. Review status: criteria provided, single submitter. Criteria: ACMG Guidelines, 2015. Collection method: clinical testing. Allele origin: germline. Observed: 8 variant alleles.
Comment: BS1, BP4_strong

GeneDx
Classification: Benign. Last evaluated: 2020-05-12. Review status: criteria provided, single submitter. Criteria: GeneDx Variant Classification Process June 2021. Collection method: clinical testing. Allele origin: germline. Affected: yes.

Genome Diagnostics Laboratory, The Hospital for Sick Children
Classification: Likely benign for Ehlers-Danlos syndrome. Last evaluated: 2020-03-01. Review status: criteria provided, single submitter. Criteria: ACMG Guidelines, 2015. Collection method: clinical testing. Allele origin: germline.

Ambry Genetics
Classification: Benign for Cardiovascular phenotype. Last evaluated: 2019-03-29. Review status: criteria provided, single submitter. Criteria: Ambry Variant Classification Scheme 2023. Collection method: clinical testing. Allele origin: germline.